The following is an entry in ClinVar:

ClinVar aggregate classification (germline): Uncertain significance (1 of 4 stars; one submission).

Conditions:
Inborn genetic diseases. Identifiers: MedGen C0950123, MeSH D030342.

Allele frequency attached by ClinVar (database versions not stated): gnomAD exomes below 0.00001; TOPMed 0.00001.
gnomAD v4.1: 3 of 1,614,120 alleles (0.00019%); highest among the groups gnomAD compares: African/African-American, 0.004%; no homozygotes.

Submission:

Ambry Genetics
Classification: Uncertain significance for Inborn genetic diseases. Last evaluated: 2024-05-24. Review status: criteria provided, single submitter. Criteria: Ambry Variant Classification Scheme 2023. Collection method: clinical testing. Allele origin: germline.
Comment: The p.K2234N variant (also known as c.6702G>C), located in coding exon 45 of the LRRK2 gene, results from a G to C substitution at nucleotide position 6702. The lysine at codon 2234 is replaced by asparagine, an amino acid with similar properties. This amino acid position is conserved. In addition, this alteration is predicted to be tolerated by in silico analysis. Since supporting evidence is limited at this time, the clinical significance of this alteration remains unclear.

NM_198578.4(LRRK2):c.6702G>C (p.Lys2234Asn)

Gene: LRRK2 (leucine rich repeat kinase 2; plus strand). Cytogenetic location: 12q12.
Variant type: single nucleotide variant.
Coding change: c.6702G>C on transcript NM_198578.4 (MANE Select); coding-DNA position 6702, G replaced by C.
Protein change: p.Lys2234Asn; replaces lysine 2234 with asparagine.
Molecular consequence: missense variant.
Genome position (GRCh38, 1-based): chr12:40,354,424, G>C. VCF-style: chr12-40354424-G-C. GRCh37 (hg19) VCF-style: chr12-40748226-G-C.
Other names: short protein forms K2234N.
Identifiers: ClinVar variation 1755013 (VCV001755013.3), dbSNP rs1265078699, ClinGen allele CA384409375.